The following is an entry in ClinVar:

ClinVar aggregate classification (germline): Benign. Review status: criteria provided, multiple submitters, no conflicts (2 of 4 stars). 8 submissions from 8 submitters: Benign (8). Last evaluated 2026-02-04.

Conditions:
Microcephalic osteodysplastic primordial dwarfism type II (MOPD2). Also called: MOPD II; OSTEODYSPLASTIC PRIMORDIAL DWARFISM, TYPE II; Microcephalic osteodysplastic primordial dwarfism with tooth abnormalities. Identifiers: Orphanet 2637, MedGen C0432246, MONDO:0008872, OMIM 210720.

Allele frequency attached by ClinVar (database versions not stated): ESP Exome Variant Server 0.28794; 1000 Genomes Project 30x 0.29809; 1000 Genomes Project 0.30152; TOPMed 0.31705; gnomAD 0.32038 and 0.32117; gnomAD exomes 0.33847 and 0.36976; ExAC 0.36576.
gnomAD v4.1: 565,311 of 1,550,058 alleles (36%); highest among the groups gnomAD compares: East Asian, 43%; 105,254 homozygotes.

Submissions (8):

Labcorp Genetics (formerly Invitae), Labcorp
Classification: Benign. Last evaluated: 2026-02-04. Review status: criteria provided, single submitter. Criteria: Invitae Variant Classification Sherloc (09022015). Collection method: clinical testing. Allele origin: germline.

Blueprint Genetics
Classification: Benign. Last evaluated: 2024-11-28. Review status: criteria provided, single submitter. Criteria: ACMG Guidelines, 2015. Collection method: clinical testing. Allele origin: germline.

Genome-Nilou Lab
Classification: Benign for Microcephalic osteodysplastic primordial dwarfism type II. Last evaluated: 2021-09-05. Review status: criteria provided, single submitter. Criteria: ACMG Guidelines, 2015. Collection method: clinical testing. Allele origin: germline. Affected: no.

Illumina Laboratory Services, Illumina
Classification: Benign for Microcephalic osteodysplastic primordial dwarfism type II. Last evaluated: 2018-01-13. Review status: criteria provided, single submitter. Criteria: ICSL Variant Classification Criteria 13 December 2019. Collection method: clinical testing. Allele origin: germline.
Comment: This variant was observed in the ICSL laboratory as part of a predisposition screen in an ostensibly healthy population. It had not been previously curated by ICSL or reported in the Human Gene Mutation Database (HGMD: prior to June 1st, 2018), and was therefore a candidate for classification through an automated scoring system. Utilizing variant allele frequency, disease prevalence and penetrance estimates, and inheritance mode, an automated score was calculated to assess if this variant is too frequent to cause the disease. Based on the score and internal cut-off values, a variant classified as benign is not then subjected to further curation. The score for this variant resulted in a classification of benign for this disease.

Eurofins Ntd Llc (ga)
Classification: Benign. Last evaluated: 2016-04-15. Review status: criteria provided, single submitter. Criteria: EGL Classification Definitions 2015. Collection method: clinical testing. Allele origin: germline. Observed: 6 variant alleles, 6 heterozygotes.

GeneDx
Classification: Benign. Last evaluated: 2015-03-03. Review status: criteria provided, single submitter. Criteria: GeneDx Variant Classification (06012015). Collection method: clinical testing. Allele origin: germline. Affected: yes.

Genetic Services Laboratory, University of Chicago
Classification: Benign. Last evaluated: 2013-02-08. Review status: criteria provided, single submitter. Criteria: ACMG Guidelines, 2007. Collection method: clinical testing. Allele origin: germline. Inheritance: Autosomal recessive inheritance.

Breakthrough Genomics
Classification: Benign. Review status: criteria provided, single submitter. Criteria: ACMG Guidelines, 2015. Collection method: not provided. Allele origin: germline. Inheritance: Autosomal recessive inheritance. Affected: yes.

NM_006031.6(PCNT):c.4197C>T (p.Asp1399=)

Gene: PCNT (pericentrin; plus strand). Cytogenetic location: 21q22.3.
Variant type: single nucleotide variant.
Coding change: c.4197C>T on transcript NM_006031.6 (MANE Select); coding-DNA position 4197, C replaced by T.
Protein change: p.Asp1399=; no amino-acid change (aspartic acid 1399 retained).
Molecular consequence: synonymous variant.
Genome position (GRCh38, 1-based): chr21:46,391,357, C>T. VCF-style: chr21-46391357-C-T. GRCh37 (hg19) VCF-style: chr21-47811272-C-T.
Other names: c.3843C>T, p.Asp1281= (NM_001315529.2).
Identifiers: ClinVar variation 159597 (VCV000159597.24), dbSNP rs3737438, ClinGen allele CA173000.
Genomic context (GRCh38, chr21:46,391,357, plus strand): 5'-GGCGGCGCTGAGGGAGGAGTGCACCCGTCTGTGGAGTCGGGGGGAGGCCACAGCCACGGA[C>T]GCCGAGGCCAGAGAAGCTGGTAAGGAGCGCGGGCTGTGGAGGGTGGTGCGAGCTGTGGGG-3'
Protein context (NP_006022.3, residues 1389-1409): LWSRGEATAT[Asp1399=]AEAREAALRK